The following is an entry in ClinVar:

NC_000014.8:g.(?_67346637)_(67432062_?)del

Gene: GPHN (gephyrin; plus strand). Cytogenetic location: 14q23.3.
Variant type: Deletion.
Identifiers: ClinVar variation 1456696 (VCV001456696.5).

ClinVar aggregate classification (germline): Pathogenic (1 of 4 stars; one submission).

Conditions:
Sulfite oxidase deficiency due to molybdenum cofactor deficiency type C. Also called: Molybdenum cofactor deficiency, complementation group C; Molybdenum cofactor deficiency C. Identifiers: Orphanet 308400, Orphanet 833, MedGen C1854990, MONDO:0014212, OMIM 615501.

Submission:

Labcorp Genetics (formerly Invitae), Labcorp
Classification: Pathogenic for Sulfite oxidase deficiency due to molybdenum cofactor deficiency type C. Last evaluated: 2022-01-17. Review status: criteria provided, single submitter. Criteria: Invitae Variant Classification Sherloc (09022015). Collection method: clinical testing. Allele origin: germline.
Comment: This variant is a gross deletion of the genomic region encompassing exon(s) 5-9 of the GPHN gene. This variant would be expected to be in-frame, preserving the integrity of the reading frame. A similar copy number variant has been observed in individuals with clinical features of autosomal dominant GPHN-related conditions (PMID: 24561070; Invitae). For these reasons, this variant has been classified as Pathogenic. Experimental studies have shown that a similar copy number variant affects GPHN function (PMID: 24561070). Algorithms developed to predict the effect of variants on protein structure and function are not available or were not evaluated for this variant.

Literature cited by the submitters: PubMed 24561070.